The following is an entry in ClinVar:

NM_152564.5(VPS13B):c.9013A>G (p.Ile3005Val)

Gene: VPS13B (vacuolar protein sorting 13 homolog B; plus strand). Cytogenetic location: 8q22.2.
Variant type: single nucleotide variant.
Coding change: c.9013A>G on transcript NM_152564.5 (MANE Select); coding-DNA position 9013, A replaced by G.
Protein change: p.Ile3005Val; replaces isoleucine 3005 with valine.
Molecular consequence: missense variant.
Genome position (GRCh38, 1-based): chr8:99,821,312, A>G. VCF-style: chr8-99821312-A-G. GRCh37 (hg19) VCF-style: chr8-100833540-A-G.
Other names: c.9088A>G, p.Ile3030Val (NM_017890.5); c.9013A>G (NM_152564.4); c.9088A>G (NM_017890.3); short protein forms I3005V, I3030V.
Identifiers: ClinVar variation 909483 (VCV000909483.16), dbSNP rs142110082, ClinGen allele CA4824610.

ClinVar aggregate classification (germline): Conflicting classifications of pathogenicity. Review status: criteria provided, conflicting classifications (1 of 4 stars). 6 submissions from 6 submitters: Uncertain significance (2); Benign (1); Likely benign (1). 2 of the submissions do not count toward it. Last evaluated 2026-01-25.

Conditions:
VPS13B-related disorder. Also called: VPS13B-related condition.
Cohen syndrome (COH1). Also called: Cutis verticis gyrata, retinitis pigmentosa, and sensorineural deafness; PEPPER SYNDROME. Identifiers: Orphanet 193, MedGen C0265223, MONDO:0008999, OMIM 216550.

Allele frequency attached by ClinVar (database versions not stated): gnomAD exomes 0.00004 and 0.00009; ExAC 0.00006; TOPMed 0.00006; ESP Exome Variant Server 0.00008; gnomAD 0.00009.
gnomAD v4.1: 81 of 1,613,574 alleles (0.005%); highest among the groups gnomAD compares: Non-Finnish European, 0.0014%; no homozygotes.

Submissions (6):

Labcorp Genetics (formerly Invitae), Labcorp
Classification: Likely benign for Cohen syndrome. Last evaluated: 2026-01-25. Review status: criteria provided, single submitter. Criteria: Invitae Variant Classification Sherloc (09022015). Collection method: clinical testing. Allele origin: germline.

Blueprint Genetics
Classification: Benign. Last evaluated: 2024-09-10. Review status: criteria provided, single submitter. Criteria: ACMG Guidelines, 2015. Collection method: clinical testing. Allele origin: germline.

GeneDx
Classification: Uncertain significance. Last evaluated: 2022-08-23. Review status: criteria provided, single submitter. Criteria: GeneDx Variant Classification Process June 2021. Collection method: clinical testing. Allele origin: germline. Affected: yes.
Comment: In silico analysis supports that this missense variant does not alter protein structure/function; Has not been previously published as pathogenic or benign to our knowledge; This variant is associated with the following publications: (PMID: 26934580)

Illumina Laboratory Services, Illumina
Classification: Uncertain significance for Cohen syndrome. Last evaluated: 2018-01-12. Review status: criteria provided, single submitter. Criteria: ICSL Variant Classification Criteria 13 December 2019. Collection method: clinical testing. Allele origin: germline.

PreventionGenetics, part of Exact Sciences
Classification: Likely benign for VPS13B-related condition. Last evaluated: 2022-03-31. Review status: no assertion criteria provided. Collection method: clinical testing. Allele origin: germline. Not counted in ClinVar's aggregate classification.
Comment: This variant is classified as likely benign based on ACMG/AMP sequence variant interpretation guidelines (Richards et al. 2015 PMID: 25741868, with internal and published modifications).

Natera, Inc.
Classification: Uncertain significance for Cohen syndrome. Last evaluated: 2020-01-24. Review status: no assertion criteria provided. Collection method: clinical testing. Allele origin: germline. Not counted in ClinVar's aggregate classification.